The following is an entry in ClinVar:

NM_001942.4(DSG1):c.3088G>A (p.Ala1030Thr)

Genes: DSG1 (desmoglein 1; plus strand), DSG1-AS1 (DSG1 antisense RNA 1; minus strand). Cytogenetic location: 18q12.1.
Variant type: single nucleotide variant.
Coding change: c.3088G>A on transcript NM_001942.4 (MANE Select); coding-DNA position 3088, G replaced by A.
Protein change: p.Ala1030Thr; replaces alanine 1030 with threonine.
Molecular consequence: missense variant.
Genome position (GRCh38, 1-based): chr18:31,355,284, G>A. VCF-style: chr18-31355284-G-A. GRCh37 (hg19) VCF-style: chr18-28935247-G-A.
Other names: short protein forms A1030T.
Identifiers: ClinVar variation 3627558 (VCV003627558.2).

ClinVar aggregate classification (germline): Uncertain significance (1 of 4 stars; one submission).

gnomAD v4.1: 32 of 1,613,594 alleles (0.002%); highest among the groups gnomAD compares: South Asian, 0.0066%; no homozygotes.

Submission:

Labcorp Genetics (formerly Invitae), Labcorp
Classification: Uncertain significance. Last evaluated: 2025-10-09. Review status: criteria provided, single submitter. Criteria: Invitae Variant Classification Sherloc (09022015). Collection method: clinical testing. Allele origin: germline.
Comment: This sequence change replaces alanine, which is neutral and non-polar, with threonine, which is neutral and polar, at codon 1030 of the DSG1 protein (p.Ala1030Thr). This variant is present in population databases (rs201204152, gnomAD 0.01%). This variant has not been reported in the literature in individuals affected with DSG1-related conditions. ClinVar contains an entry for this variant (Variation ID: 3627558). An algorithm developed to predict the effect of missense changes on protein structure and function outputs the following: PolyPhen-2: "Possibly Damaging". The threonine amino acid residue is found in multiple mammalian species, which suggests that this missense change does not adversely affect protein function. In summary, the available evidence is currently insufficient to determine the role of this variant in disease. Therefore, it has been classified as a Variant of Uncertain Significance.